The following is an entry in ClinVar:

ClinVar aggregate classification (germline): Uncertain significance. Review status: criteria provided, multiple submitters, no conflicts (2 of 4 stars). 2 submissions from 2 submitters: Uncertain significance (2). Last evaluated 2026-01-25.

Conditions:
Hereditary cancer-predisposing syndrome. Also called: Neoplastic Syndromes, Hereditary; Hereditary Cancer Syndrome; Hereditary neoplastic syndrome; Tumor predisposition. Identifiers: Orphanet 140162, MedGen C0027672, MeSH D009386, MONDO:0015356.
Multiple endocrine neoplasia, type 2 (MEN2). Identifiers: Orphanet 653, MedGen C4048306, MONDO:0019003. Disease mechanism: gain of function.

Submissions (2):

Labcorp Genetics (formerly Invitae), Labcorp
Classification: Uncertain significance for Multiple endocrine neoplasia, type 2. Last evaluated: 2026-01-25. Review status: criteria provided, single submitter. Criteria: Invitae Variant Classification Sherloc (09022015). Collection method: clinical testing. Allele origin: germline.
Comment: This variant, c.35_55dup, results in the insertion of 7 amino acid(s) of the RET protein (p.Arg12_Leu18dup), but otherwise preserves the integrity of the reading frame. This variant is not present in population databases (gnomAD no frequency). This variant has not been reported in the literature in individuals affected with RET-related conditions. ClinVar contains an entry for this variant (Variation ID: 1061842). Experimental studies and prediction algorithms are not available or were not evaluated, and the functional significance of this variant is currently unknown. In summary, the available evidence is currently insufficient to determine the role of this variant in disease. Therefore, it has been classified as a Variant of Uncertain Significance.

Ambry Genetics
Classification: Uncertain significance for Hereditary cancer-predisposing syndrome. Last evaluated: 2024-10-17. Review status: criteria provided, single submitter. Criteria: Ambry Variant Classification Scheme 2023. Collection method: clinical testing. Allele origin: germline.
Comment: The c.35_55dup21 variant (also known as p.R12_L18dup), located in coding exon 1 of the RET gene, results from an in-frame duplication of 21 nucleotides at nucleotide positions 35 to 55. This results in the duplication of 7 residues (RLLLLLL) at codons 12 and 18. The amino acid positions in this region are conserved on limited sequence alignment. In addition, this alteration is predicted to be neutral by in silico analysis (Choi Y et al. PLoS ONE. 2012; 7(10):e46688). Based on the available evidence, the clinical significance of this variant remains unclear.

NM_020975.6(RET):c.35_55dup (p.Leu18_Leu19insArgLeuLeuLeuLeuLeuLeu)

Genes: RET (ret proto-oncogene; plus strand), LOC106736614 (RET 5' regulatory region; plus strand). Cytogenetic location: 10q11.21.
Variant type: Duplication.
Coding change: c.35_55dup on transcript NM_020975.6 (MANE Select); coding-DNA positions 35 to 55, 21 bases duplicated (GTCTGCTGTTGCTGCTGCTGC).
Protein change: p.Leu18_Leu19insArgLeuLeuLeuLeuLeuLeu.
Molecular consequence: inframe insertion. On other transcripts: inframe indel (41).
Genome position (GRCh38, 1-based): chr10:43,077,293-43,077,313, GTCTGCTGTTGCTGCTGCTGC duplicated; duplicating any 21 consecutive bases within chr10:43,077,288-43,077,313 gives the same sequence; the c. name uses the placement nearest the transcript's 3' end. VCF-style (leftmost placement, unchanged base first): chr10-43077287-G-GGCTGCGTCTGCTGTTGCTGCT. GRCh37 (hg19) VCF-style: chr10-43572735-G-GGCTGCGTCTGCTGTTGCTGCT.
Other names: c.35_55dupGTCTGCTGTTGCTGCTGCTGC (NM_020975.4); c.35_55dup, p.Leu18_Leu19insArgLeuLeuLeuLeuLeuLeu (NM_000323.2, NM_001406743.1, NM_001406744.1 and 38 more transcripts).
Identifiers: ClinVar variation 1061842 (VCV001061842.14), dbSNP rs1467944441, ClinGen allele CA665362567.